The following is an entry in ClinVar:

NM_000419.5(ITGA2B):c.3060G>A (p.Lys1020=)

Gene: ITGA2B (integrin subunit alpha 2b; minus strand). Cytogenetic location: 17q21.31.
Variant type: single nucleotide variant.
Coding change: c.3060G>A on transcript NM_000419.5 (MANE Select); coding-DNA position 3060, G replaced by A.
Protein change: p.Lys1020=; no amino-acid change (lysine 1020 retained).
Molecular consequence: synonymous variant.
Genome position (GRCh38, 1-based): chr17:44,374,354, C>T on the plus strand (G>A on the coding strand, the complement: ITGA2B is on the minus strand). VCF-style: chr17-44374354-C-T. GRCh37 (hg19) VCF-style: chr17-42451722-C-T.
Other names: NM_000419.5:c.3060G>A.
Identifiers: ClinVar variation 1691471 (VCV001691471.2), dbSNP rs757268030, ClinGen allele CA500261104.

ClinVar aggregate classification (germline): Pathogenic (3 of 4 stars; one submission).

Conditions:
Glanzmann thrombasthenia. Also called: PLATELET GLYCOPROTEIN IIb-IIIa DEFICIENCY; Glanzmann's thrombasthenia; BLEEDING DISORDER, PLATELET-TYPE, 2; THROMBASTHENIA OF GLANZMANN AND NAEGELI; Thrombasthenia. Identifiers: Orphanet 849, MedGen C0040015, MONDO:0100326.

Submission:

ClinGen Platelet Disorders Variant Curation Expert Panel, ClinGen
Classification: Pathogenic for Glanzmann thrombasthenia. Last evaluated: 2022-05-17. Review status: reviewed by expert panel. Criteria: ClinGen Platelet ACMG Specifications v2-1. Collection method: curation. Allele origin: germline. Inheritance: Autosomal recessive inheritance.
Comment: The NM_000419.5(ITGA2B):c.3060G>A (p.Lys1020=) synonymous variant disrupts the donor splice site of intron 29/30 of ITGA2B (SpliceAI 0.76; PP3) as confirmed by analysis of patient cDNA, which showed a deletion of exon 29 (PM4; PMID: 21113249). The variant has been reported homozygous in siblings TA and TG, who displayed mucocutaneous bleeding and impaired aggregation with all agonists except ristocetin, which is highly specific for Glanzmann thrombasthenia. Additionally, alphaIIbbeta3 surface expression was reduced to <1%, as measured by flow cytometry, and there was <1% binding to PAC-1. ITGA2B and ITGB3 were sequenced across all exons and intron/exon boundaries (PP4_strong, PP1, PM3_supporting; PMID: 21113249). This variant is absent from gnomAD v2.1.1 (PM2_Supporting). In summary, this variant meets the criteria to be classified as Likely Pathogenic for autosomal recessive Glanzmann Thrombasthenia based on the ACMG/AMP criteria applied, as specified by the ClinGen PD VCEP: PP4_strong, PM4, PM3_supporting, PM2_supporitng, PP3. (VCEP specifications version 2; date of approval 05/17/2022).